The following is an entry in ClinVar:

ClinVar aggregate classification (germline): Benign/Likely benign. Review status: criteria provided, multiple submitters, no conflicts (2 of 4 stars). 6 submissions from 6 submitters: Benign (4); Likely benign (2). Last evaluated 2026-04-01.

Conditions:
Leukodystrophy, hypomyelinating, 7, with or without oligodontia and/or hypogonadotropic hypogonadism (HLD7). Also called: Ataxia, Delayed Dentition and Hypomyelination (ADDH); LEUKODYSTROPHY, HYPOMYELINATING, 7, WITH OLIGODONTIA; LEUKODYSTROPHY, HYPOMYELINATING, 7, WITH OLIGODONTIA AND HYPOGONADOTROPIC HYPOGONADISM; LEUKODYSTROPHY, HYPOMYELINATING, 7, WITHOUT OLIGODONTIA OR HYPOGONADOTROPIC HYPOGONADISM; LEUKOENCEPHALOPATHY, HYPOMYELINATING, WITH ATAXIA AND DELAYED DENTITION; ATAXIA, DELAYED DENTITION, AND HYPOMYELINATION. Identifiers: Orphanet 137639, Orphanet 447893, Orphanet 447896, Orphanet 77295, Orphanet 88637, MedGen CN034185, MONDO:0011897, OMIM 607694.

Allele frequency attached by ClinVar (database versions not stated): gnomAD exomes 0.00113; ExAC 0.00141; 1000 Genomes Project 30x 0.00406; gnomAD 0.00455 and 0.00487; 1000 Genomes Project 0.00459; ESP Exome Variant Server 0.00515; TOPMed 0.00529.
gnomAD v4.1: 1,384 of 1,614,106 alleles (0.086%); highest among the groups gnomAD compares: African/African-American, 1.4%; 13 homozygotes.

Submissions (6):

CeGaT Center for Human Genetics Tuebingen
Classification: Benign. Last evaluated: 2026-04-01. Review status: criteria provided, single submitter. Criteria: CeGaT Center For Human Genetics Tuebingen Variant Classification Criteria Version 2. Collection method: clinical testing. Allele origin: germline. Affected: yes. Observed: 4 variant alleles.
Comment: POLR3A: BP4, BP7, BS1, BS2

Labcorp Genetics (formerly Invitae), Labcorp
Classification: Benign. Last evaluated: 2026-01-27. Review status: criteria provided, single submitter. Criteria: Invitae Variant Classification Sherloc (09022015). Collection method: clinical testing. Allele origin: germline.

Blueprint Genetics
Classification: Likely benign. Last evaluated: 2024-11-14. Review status: criteria provided, single submitter. Criteria: ACMG Guidelines, 2015. Collection method: clinical testing. Allele origin: germline.

GeneDx
Classification: Likely benign. Last evaluated: 2022-02-12. Review status: criteria provided, single submitter. Criteria: GeneDx Variant Classification Process June 2021. Collection method: clinical testing. Allele origin: germline. Affected: yes.
Comment: See Variant Classification Assertion Criteria.

Illumina Laboratory Services, Illumina
Classification: Benign for Leukodystrophy, hypomyelinating, 7, with or without oligodontia and/or hypogonadotropic hypogonadism. Last evaluated: 2018-01-12. Review status: criteria provided, single submitter. Criteria: ICSL Variant Classification Criteria 13 December 2019. Collection method: clinical testing. Allele origin: germline.
Comment: This variant was observed in the ICSL laboratory as part of a predisposition screen in an ostensibly healthy population. It had not been previously curated by ICSL or reported in the Human Gene Mutation Database (HGMD: prior to June 1st, 2018), and was therefore a candidate for classification through an automated scoring system. Utilizing variant allele frequency, disease prevalence and penetrance estimates, and inheritance mode, an automated score was calculated to assess if this variant is too frequent to cause the disease. Based on the score and internal cut-off values, a variant classified as benign is not then subjected to further curation. The score for this variant resulted in a classification of benign for this disease.

Breakthrough Genomics
Classification: Benign. Review status: criteria provided, single submitter. Criteria: ACMG Guidelines, 2015. Collection method: not provided. Allele origin: germline. Inheritance: Autosomal recessive inheritance. Affected: yes.

NM_007055.4(POLR3A):c.3987T>C (p.Phe1329=)

Gene: POLR3A (RNA polymerase III subunit A; minus strand). Cytogenetic location: 10q22.3.
Variant type: single nucleotide variant.
Coding change: c.3987T>C on transcript NM_007055.4 (MANE Select); coding-DNA position 3987, T replaced by C.
Protein change: p.Phe1329=; no amino-acid change (phenylalanine 1329 retained).
Molecular consequence: synonymous variant.
Genome position (GRCh38, 1-based): chr10:77,980,178, A>G on the plus strand (T>C on the coding strand, the complement: POLR3A is on the minus strand). VCF-style: chr10-77980178-A-G. GRCh37 (hg19) VCF-style: chr10-79739936-A-G.
Identifiers: ClinVar variation 768373 (VCV000768373.29), dbSNP rs16935497, ClinGen allele CA5570634.
Genomic context (GRCh38, chr10:77,980,178, plus strand): 5'-GTTCATAGAAACATCAAACCTACCACACACAGAGTCCTTCTGCCCGAAGTAGGCAGCGTC[A>G]AAGAGATGGTCAGCCGTCTTCTCAAAGGAGGCCAGCATCAGCACACTCTCCTTCATCTTG-3'
Protein context (NP_008986.2, residues 1319-1339): ASFEKTADHL[Phe1329=]DAAYFGQKDS